The following is an entry in ClinVar:

NM_002519.3(NPAT):c.3871T>C (p.Ser1291Pro)

Gene: NPAT (nuclear protein, coactivator of histone transcription; minus strand). Cytogenetic location: 11q22.3.
Variant type: single nucleotide variant.
Coding change: c.3871T>C on transcript NM_002519.3 (MANE Select); coding-DNA position 3871, T replaced by C.
Protein change: p.Ser1291Pro; replaces serine 1291 with proline.
Molecular consequence: missense variant.
Genome position (GRCh38, 1-based): chr11:108,161,215, A>G on the plus strand (T>C on the coding strand, the complement: NPAT is on the minus strand). VCF-style: chr11-108161215-A-G. GRCh37 (hg19) VCF-style: chr11-108031942-A-G.
Other names: c.3892T>C, p.Ser1298Pro (NM_001321307.1); short protein forms S1298P, S1291P.
Identifiers: ClinVar variation 2567990 (VCV002567990.2), dbSNP rs2496694283, ClinGen allele CA382509867.

ClinVar aggregate classification (germline): Uncertain significance (1 of 4 stars; one submission).

Submission:

Ambry Genetics
Classification: Uncertain significance. Last evaluated: 2023-05-06. Review status: criteria provided, single submitter. Criteria: Ambry Variant Classification Scheme 2023. Collection method: clinical testing. Allele origin: germline.
Comment: The p.S1291P variant (also known as c.3871T>C), located in coding exon 17 of the NPAT gene, results from a T to C substitution at nucleotide position 3871. The serine at codon 1291 is replaced by proline, an amino acid with similar properties. This amino acid position is conserved. In addition, this alteration is predicted to be tolerated by in silico analysis. Since supporting evidence is limited at this time, the clinical significance of this alteration remains unclear.